The following is an entry in ClinVar:

ClinVar aggregate classification (germline): Pathogenic/Likely pathogenic. Review status: criteria provided, multiple submitters, no conflicts (2 of 4 stars). 3 submissions from 3 submitters: Pathogenic (2); Likely pathogenic (1). Last evaluated 2024-06-26.

Conditions:
Retinitis pigmentosa 39 (RP39). Identifiers: Orphanet 791, MedGen C3151138, MONDO:0013436, OMIM 613809.
Usher syndrome type 2A. Also called: RETINAL DISEASE IN USHER SYNDROME TYPE IIA, MODIFIER OF; USHER SYNDROME, TYPE IIA. Identifiers: Orphanet 231178, Orphanet 886, MedGen C1848634, MONDO:0010169, OMIM 276901.

Submissions (3):

Natera, Inc.
Classification: Likely pathogenic for Usher syndrome type 2A. Last evaluated: 2024-06-26. Review status: criteria provided, single submitter. Criteria: Natera Variant Classification Schema (03/2026). Collection method: clinical testing. Allele origin: germline.
Comment: The c.14831del variant in USH2A is a frameshift variant predicted to shift the reading frame beginning at codon 4944 and leads to a stop codon 6 codons downstream. This variant is expected to result in nonsense mediated decay, truncation, or a dysfunctional protein product. This variant is rare in the general population with a frequency below the threshold expected for the associated phenotype(s). This variant has been observed in one or more individuals affected with the associated recessive disease, as either homozygous or compound heterozygous with a second variant (PMID: 31106028, 36110214). Given the available evidence, this variant is classified as Likely Pathogenic.

Baylor Genetics
Classification: Pathogenic for Retinitis pigmentosa 39. Last evaluated: 2023-06-28. Review status: criteria provided, single submitter. Criteria: ACMG Guidelines, 2015. Collection method: clinical testing. Allele origin: unknown.

Labcorp Genetics (formerly Invitae), Labcorp
Classification: Pathogenic. Last evaluated: 2023-01-28. Review status: criteria provided, single submitter. Criteria: Invitae Variant Classification Sherloc (09022015). Collection method: clinical testing. Allele origin: germline.
Comment: For these reasons, this variant has been classified as Pathogenic. ClinVar contains an entry for this variant (Variation ID: 1402084). This variant has not been reported in the literature in individuals affected with USH2A-related conditions. This variant is not present in population databases (gnomAD no frequency). This sequence change creates a premature translational stop signal (p.Leu4944Cysfs*6) in the USH2A gene. It is expected to result in an absent or disrupted protein product. Loss-of-function variants in USH2A are known to be pathogenic (PMID: 10729113, 10909849, 20507924, 25649381).

Literature cited by the submitters: PubMed 31106028 (cited by Natera, Inc.); PubMed 36110214 (cited by Natera, Inc.); PubMed 10729113 (cited by Labcorp Genetics (formerly Invitae), Labcorp); PubMed 10909849 (cited by Labcorp Genetics (formerly Invitae), Labcorp); PubMed 20507924 (cited by Labcorp Genetics (formerly Invitae), Labcorp); PubMed 25649381 (cited by Labcorp Genetics (formerly Invitae), Labcorp).

NM_206933.4(USH2A):c.14831del (p.Leu4944fs)

Gene: USH2A (usherin; minus strand). Cytogenetic location: 1q41.
Variant type: Deletion.
Coding change: c.14831del on transcript NM_206933.4 (MANE Select); coding-DNA position 14831, one base deleted (T; older notation c.14831delT).
Protein change: p.Leu4944fs; shifts the reading frame from leucine 4944.
Molecular consequence: frameshift variant.
Genome position (GRCh38, 1-based): chr1:215,640,695, A deleted on the plus strand (T on the coding strand, the reverse complement: USH2A is on the minus strand); the first of 3 consecutive A bases (chr1:215,640,695-215,640,697); deleting any one gives the same sequence. VCF-style (leftmost placement, unchanged base first): chr1-215640694-CA-C. GRCh37 (hg19) VCF-style: chr1-215814036-CA-C.
Other names: c.14831del (NM_206933.2); short protein forms L4944fs.
Identifiers: ClinVar variation 1402084 (VCV001402084.8), dbSNP rs2102636085, ClinGen allele CA2573131539.
Genomic context (GRCh38, chr1:215,640,694, plus strand): 5'-GTACTCCTTCAGTTGGCCGTTCAGGAGGAAGGTGTCACTCCAGTTCACACACACCACAGA[CA>C]AATTGCTGTCCACCGAAAATGGGGCTCGGTACTGAGGCACTGTGGGGAGAAAGTTGTATG-3'